The following is an entry in ClinVar:

ClinVar aggregate classification (germline): Uncertain significance (1 of 4 stars; one submission).

Conditions:
Charcot-Marie-Tooth disease dominant intermediate C (CMTDIC). Also called: CHARCOT-MARIE-TOOTH NEUROPATHY, DOMINANT INTERMEDIATE C. Identifiers: Orphanet 100045, MedGen C1842237, MONDO:0012012, OMIM 608323.

Allele frequency attached by ClinVar (database versions not stated): gnomAD exomes below 0.00001; ExAC 0.00001.
gnomAD v4.1: 1 of 1,614,076 alleles (0.000062%); highest among the groups gnomAD compares: Admixed American, 0.0017%; no homozygotes.

Submission:

Labcorp Genetics (formerly Invitae), Labcorp
Classification: Uncertain significance for Charcot-Marie-Tooth disease dominant intermediate C. Last evaluated: 2020-03-12. Review status: criteria provided, single submitter. Criteria: Invitae Variant Classification Sherloc (09022015). Collection method: clinical testing. Allele origin: germline.
Comment: In summary, the available evidence is currently insufficient to determine the role of this variant in disease. Therefore, it has been classified as a Variant of Uncertain Significance. Algorithms developed to predict the effect of missense changes on protein structure and function are either unavailable or do not agree on the potential impact of this missense change (SIFT: "Not Available"; PolyPhen-2: "Probably Damaging"; Align-GVGD: "Not Available"). This variant has not been reported in the literature in individuals with YARS-related conditions. This variant is present in population databases (rs766904685, ExAC 0.009%). This sequence change replaces serine with tyrosine at codon 230 of the YARS protein (p.Ser230Tyr). The serine residue is highly conserved and there is a large physicochemical difference between serine and tyrosine.

NM_003680.4(YARS1):c.689C>A (p.Ser230Tyr)

Genes: YARS1 (tyrosyl-tRNA synthetase 1; minus strand), LOC126805688 (BRD4-independent group 4 enhancer GRCh37_chr1:33251929-33253128; plus strand). Cytogenetic location: 1p35.1.
Variant type: single nucleotide variant.
Coding change: c.689C>A on transcript NM_003680.4 (MANE Select); coding-DNA position 689, C replaced by A.
Protein change: p.Ser230Tyr; replaces serine 230 with tyrosine.
Molecular consequence: missense variant.
Genome position (GRCh38, 1-based): chr1:32,787,071, G>T on the plus strand (C>A on the coding strand, the complement: YARS1 is on the minus strand). VCF-style: chr1-32787071-G-T. GRCh37 (hg19) VCF-style: chr1-33252672-G-T.
Other names: short protein forms S230Y.
Identifiers: ClinVar variation 1046272 (VCV001046272.7), dbSNP rs766904685, ClinGen allele CA745122.
Genomic context (GRCh38, chr1:32,787,071, plus strand): 5'-CAGAAGGCCTTCTTCAGTTTTTTCTTCACATCCTCCTTCCGATCAAGGAGATCAATCTTG[G>T]ACTCCTAGAAGTCATAGAACGGAAGAGGACCTCTTGTGGTTGAAAATGAGAATATGCTCA-3'
Protein context (NP_003671.1, residues 220-240): GSKMSSSEEE[Ser230Tyr]KIDLLDRKED